The following is an entry in ClinVar:

ClinVar aggregate classification (germline): Uncertain significance (1 of 4 stars; one submission).

gnomAD v4.1: 477 of 1,336,068 alleles (0.036%); highest among the groups gnomAD compares: Non-Finnish European, 0.045%; no homozygotes.

Submission:

Labcorp Genetics (formerly Invitae), Labcorp
Classification: Uncertain significance. Last evaluated: 2025-02-16. Review status: criteria provided, single submitter. Criteria: Invitae Variant Classification Sherloc (09022015). Collection method: clinical testing. Allele origin: germline.
Comment: This sequence change replaces methionine, which is neutral and non-polar, with leucine, which is neutral and non-polar, at codon 336 of the FOXC2 protein (p.Met336Leu). This variant is present in population databases (rs763817998, gnomAD 0.04%), and has an allele count higher than expected for a pathogenic variant. This variant has not been reported in the literature in individuals affected with FOXC2-related conditions. An algorithm developed to predict the effect of missense changes on protein structure and function (PolyPhen-2) suggests that this variant is likely to be tolerated. In summary, the available evidence is currently insufficient to determine the role of this variant in disease. Therefore, it has been classified as a Variant of Uncertain Significance.

NM_005251.3(FOXC2):c.1006A>T (p.Met336Leu)

Gene: FOXC2 (forkhead box C2; plus strand). Cytogenetic location: 16q24.1.
Variant type: single nucleotide variant.
Coding change: c.1006A>T on transcript NM_005251.3 (MANE Select); coding-DNA position 1006, A replaced by T.
Protein change: p.Met336Leu; replaces methionine 336 with leucine.
Molecular consequence: missense variant.
Genome position (GRCh38, 1-based): chr16:86,568,341, A>T. VCF-style: chr16-86568341-A-T. GRCh37 (hg19) VCF-style: chr16-86601947-A-T.
Other names: short protein forms M336L.
Identifiers: ClinVar variation 3695528 (VCV003695528.2).